The following is an entry in ClinVar:

ClinVar aggregate classification (germline): Pathogenic. Review status: criteria provided, multiple submitters, no conflicts (2 of 4 stars). 2 submissions from 2 submitters: Pathogenic (2). Last evaluated 2023-06-15.

Conditions:
Hereditary cancer-predisposing syndrome. Also called: Tumor predisposition; Hereditary Cancer Syndrome; Neoplastic Syndromes, Hereditary; Hereditary neoplastic syndrome. Identifiers: Orphanet 140162, MedGen C0027672, MeSH D009386, MONDO:0015356.
Familial cancer of breast. Also called: Hereditary breast cancer; BREAST CANCER, FAMILIAL; hereditary breast carcinoma. Identifiers: Orphanet 227535, MedGen C0346153, MONDO:0016419, OMIM 114480. Disease mechanism: loss of function.

Submissions (2):

Myriad Genetics, Inc.
Classification: Pathogenic for Familial cancer of breast. Last evaluated: 2023-06-15. Review status: criteria provided, single submitter. Criteria: Myriad Autosomal Dominant, Autosomal Recessive and X-Linked Classification Criteria (2023). Collection method: clinical testing. Allele origin: unknown.
Comment: This variant is considered pathogenic. This variant creates a termination codon and is predicted to result in premature protein truncation.

Ambry Genetics
Classification: Pathogenic for Hereditary cancer-predisposing syndrome. Last evaluated: 2022-09-27. Review status: criteria provided, single submitter. Criteria: Ambry Variant Classification Scheme 2023. Collection method: clinical testing. Allele origin: germline.
Comment: The p.R879* variant (also known as c.2635A>T), located in coding exon 7 of the PALB2 gene, results from an A to T substitution at nucleotide position 2635. This changes the amino acid from an arginine to a stop codon within coding exon 7. This variant is considered to be rare based on population cohorts in the Genome Aggregation Database (gnomAD). This alteration is expected to result in loss of function by premature protein truncation or nonsense-mediated mRNA decay. As such, this alteration is interpreted as a disease-causing mutation.

NM_024675.4(PALB2):c.2635A>T (p.Arg879Ter)

Gene: PALB2 (partner and localizer of BRCA2; minus strand). Cytogenetic location: 16p12.2.
Variant type: single nucleotide variant.
Coding change: c.2635A>T on transcript NM_024675.4 (MANE Select); coding-DNA position 2635, A replaced by T.
Protein change: p.Arg879Ter; replaces arginine 879 with a stop codon.
Molecular consequence: nonsense.
Genome position (GRCh38, 1-based): chr16:23,626,349, T>A on the plus strand (A>T on the coding strand, the complement: PALB2 is on the minus strand). VCF-style: chr16-23626349-T-A. GRCh37 (hg19) VCF-style: chr16-23637670-T-A.
Other names: c.2575A>T, p.Arg859Ter (NM_001407296.1); c.2563A>T, p.Arg855Ter (NM_001407297.1); c.2635A>T, p.Arg879Ter (NM_001407299.1, NM_001407300.1, NM_001407301.1); c.1750A>T, p.Arg584Ter (NM_001407304.1, NM_001407305.1, NM_001407306.1 and 4 more transcripts); c.847A>T, p.Arg283Ter (NM_001407312.1, NM_001407313.1); c.169A>T, p.Arg57Ter (NM_001407314.1); short protein forms R859*, R879*, R283*, R584*, R57*, R855*.
Identifiers: ClinVar variation 1794108 (VCV001794108.4), dbSNP rs1555459994, ClinGen allele CA395122158.
Genomic context (GRCh38, chr16:23,626,349, plus strand): 5'-TCCAAAGAGAAACTACATCTTCGCAAGCAGTTATGATACATGGCTCTTTACAACCGGCTC[T>A]TTCCCAAAACATGGCACTCACATCTACGGAACAGGAACCTGAAGGATTCTGACACAATGG-3'